The following is an entry in ClinVar:

NM_000059.4(BRCA2):c.5763dup (p.Ala1922fs)

Gene: BRCA2 (BRCA2 DNA repair associated; plus strand). Cytogenetic location: 13q13.1.
Variant type: Duplication.
Coding change: c.5763dup on transcript NM_000059.4 (MANE Select); coding-DNA position 5763, one base duplicated (T; older notation c.5763dupT).
Protein change: p.Ala1922fs; shifts the reading frame from alanine 1922.
Molecular consequence: frameshift variant.
Genome position (GRCh38, 1-based): chr13:32,340,118, T duplicated; the last of 5 consecutive T bases (chr13:32,340,114-32,340,118); duplicating any one gives the same sequence. VCF-style (leftmost placement, unchanged base first): chr13-32340113-G-GT. GRCh37 (hg19) VCF-style: chr13-32914250-G-GT.
Other names: 5991insT; c.5759dupT (NM_000059.3); c.5763dupT (NM_000059.3); short protein forms A1922fs.
Identifiers: ClinVar variation 51931 (VCV000051931.26), dbSNP rs80359534, ClinGen allele CA023171.

ClinVar aggregate classification (germline): Pathogenic. Review status: reviewed by expert panel (3 of 4 stars). 10 submissions from 10 submitters: Pathogenic (1). 9 of the submissions do not count toward it. Last evaluated 2016-09-08.

Conditions:
Breast and/or ovarian cancer. Identifiers: MedGen CN221562.
Hereditary cancer-predisposing syndrome. Also called: Neoplastic Syndromes, Hereditary; Tumor predisposition; Hereditary neoplastic syndrome; Hereditary Cancer Syndrome. Identifiers: Orphanet 140162, MedGen C0027672, MeSH D009386, MONDO:0015356.
Hereditary breast ovarian cancer syndrome. Also called: Hereditary breast and ovarian cancer syndrome; Hereditary breast and ovarian cancer; Hereditary breast and ovarian cancer syndrome (HBOC); Breast and ovarian cancer; Hereditary breast and/or ovarian cancer syndrome; BRCA1- and BRCA2-Associated Hereditary Breast and Ovarian Cancer. Identifiers: Orphanet 145, MedGen C0677776, MeSH D061325, MONDO:0003582. Disease mechanism: loss of function.
Breast-ovarian cancer, familial, susceptibility to, 2 (BROVCA2). Also called: BRCA2 Hereditary Breast and Ovarian Cancer. Identifiers: Orphanet 145, MedGen C2675520, MONDO:0012933, OMIM 612555. Disease mechanism: loss of function.
Familial cancer of breast. Also called: BREAST CANCER, FAMILIAL; Hereditary breast cancer; hereditary breast carcinoma. Identifiers: Orphanet 227535, MedGen C0346153, MONDO:0016419, OMIM 114480. Disease mechanism: loss of function.

Submissions (10):

Evidence-based Network for the Interpretation of Germline Mutant Alleles (ENIGMA)
Classification: Pathogenic for Breast-ovarian cancer, familial, susceptibility to, 2. Last evaluated: 2016-09-08. Review status: reviewed by expert panel. Criteria: ENIGMA BRCA1/2 Classification Criteria (2015). Collection method: curation. Allele origin: germline.
Comment: Variant allele predicted to encode a truncated non-functional protein.

Labcorp Genetics (formerly Invitae), Labcorp
Classification: Pathogenic for Hereditary breast ovarian cancer syndrome. Last evaluated: 2025-05-05. Review status: criteria provided, single submitter. Criteria: Invitae Variant Classification Sherloc (09022015). Collection method: clinical testing. Allele origin: germline. Not counted in ClinVar's aggregate classification.
Comment: This sequence change creates a premature translational stop signal (p.Ala1922Cysfs*2) in the BRCA2 gene. It is expected to result in an absent or disrupted protein product. Loss-of-function variants in BRCA2 are known to be pathogenic (PMID: 20104584). This variant is not present in population databases (gnomAD no frequency). This premature translational stop signal has been observed in individual(s) with breast and/or ovarian cancer (PMID: 15158118, 18489799). ClinVar contains an entry for this variant (Variation ID: 51931). For these reasons, this variant has been classified as Pathogenic.

Ambry Genetics
Classification: Pathogenic for Hereditary cancer-predisposing syndrome. Last evaluated: 2024-12-18. Review status: criteria provided, single submitter. Criteria: Ambry Variant Classification Scheme 2023. Collection method: clinical testing. Allele origin: germline. Not counted in ClinVar's aggregate classification.
Comment: The c.5763dupT pathogenic mutation, located in coding exon 10 of the BRCA2 gene, results from a duplication of T at nucleotide position 5763, causing a translational frameshift with a predicted alternate stop codon (p.A1922Cfs*2). This alteration has been reported in individuals with breast and/or ovarian cancer (Pohlreich P et al. Breast Cancer Res. 2005 Jul;7:R728-36; Machackova E et al. BMC Cancer 2008 May;8:140; Mateju M et al. Neoplasma 2010;57:280-5; Rebbeck TR et al. Hum Mutat, 2018 05;39:593-620). Of note, this alteration is also designated as 5991insT in published literature. This variant is considered to be rare based on population cohorts in the Genome Aggregation Database (gnomAD). In addition to the clinical data presented in the literature, this alteration is expected to result in loss of function by premature protein truncation or nonsense-mediated mRNA decay. As such, this alteration is interpreted as a disease-causing mutation.

Baylor Genetics
Classification: Pathogenic for Familial cancer of breast. Last evaluated: 2023-01-17. Review status: criteria provided, single submitter. Criteria: ACMG Guidelines, 2015. Collection method: clinical testing. Allele origin: unknown. Not counted in ClinVar's aggregate classification.

Color Diagnostics, LLC DBA Color Health
Classification: Pathogenic for Hereditary cancer-predisposing syndrome. Last evaluated: 2022-05-31. Review status: criteria provided, single submitter. Criteria: ACMG Guidelines, 2015. Collection method: clinical testing. Allele origin: germline. Not counted in ClinVar's aggregate classification.
Comment: This variant inserts 1 nucleotide in exon 11 of the BRCA2 gene, creating a frameshift and premature translation stop signal. This variant is expected to result in an absent or non-functional protein product. This variant has been reported in individuals with a personal or family history of breast and/or ovarian cancer (PMID: 16168118, 18489799, 20353281). This variant has not been identified in the general population by the Genome Aggregation Database (gnomAD). Loss of BRCA2 function is a known mechanism of disease. Based on the available evidence, this variant is classified as Pathogenic.

Quest Diagnostics Nichols Institute San Juan Capistrano
Classification: Pathogenic. Last evaluated: 2021-08-26. Review status: criteria provided, single submitter. Criteria: Quest Diagnostics criteria. Collection method: clinical testing. Allele origin: unknown. Not counted in ClinVar's aggregate classification.
Comment: This frameshift variant causes the premature termination of BRCA2 protein synthesis. In addition, it has been reported in individuals affected with breast and/or ovarian cancer in the published literature (PMID: 16168118 (2005), 20353281 (2010)). Based on the available information, this variant is classified as pathogenic.

Women's Health and Genetics/Laboratory Corporation of America, LabCorp
Classification: Pathogenic for Hereditary breast and ovarian cancer syndrome. Last evaluated: 2018-04-30. Review status: criteria provided, single submitter. Criteria: LabCorp Variant Classification Summary - May 2015. Collection method: clinical testing. Allele origin: germline. Not counted in ClinVar's aggregate classification.
Comment: Variant summary: BRCA2 c.5763dupT (p.Ala1922CysfsX2) results in a premature termination codon, predicted to cause a truncation of the encoded protein or absence of the protein due to nonsense mediated decay, which are commonly known mechanisms for disease. Truncations downstream of this position have been classified as pathogenic by our laboratory (eg. c.5796_5797delTA, p.His1932fsX12; c.5799_5802delCCAA, p.Asn1933fsX29; c.5828delC, p.Ser1943fsX20). The variant was absent in 121048 control chromosomes. c.5763dupT has been reported in the literature in individuals affected with Hereditary Breast and Ovarian Cancer (Machackova_2008, Mateju_2010, Pohlreich_2005). To our knowledge, no experimental evidence demonstrating an impact on protein function has been reported. Three clinical diagnostic laboratories have submitted clinical-significance assessments for this variant to ClinVar after 2014 without evidence for independent evaluation. All laboratories classified the variant as pathogenic. Based on the evidence outlined above, the variant was classified as pathogenic.

Consortium of Investigators of Modifiers of BRCA1/2 (CIMBA), c/o University of Cambridge
Classification: Pathogenic for Breast-ovarian cancer, familial, susceptibility to, 2. Last evaluated: 2015-10-02. Review status: criteria provided, single submitter. Criteria: CIMBA Mutation Classification guidelines May 2016. Collection method: clinical testing. Allele origin: germline. Not counted in ClinVar's aggregate classification.

CZECANCA consortium
Classification: Pathogenic for Breast and/or ovarian cancer. Last evaluated: 2019-06-11. Review status: no assertion criteria provided. Collection method: clinical testing. Allele origin: germline. Affected: yes. Observed: 6 variant alleles. Not counted in ClinVar's aggregate classification.

Breast Cancer Information Core (BIC) (BRCA2)
Classification: Pathogenic for Breast-ovarian cancer, familial 2. Last evaluated: 2004-02-20. Review status: no assertion criteria provided. Collection method: clinical testing. Allele origin: germline. Affected: yes. Observed: 2 variant alleles. Not counted in ClinVar's aggregate classification.

Literature cited by the submitters: PubMed 20104584 (cited by Labcorp Genetics (formerly Invitae), Labcorp); PubMed 15158118 (cited by Labcorp Genetics (formerly Invitae), Labcorp); PubMed 18489799 (cited by 5 submitters); PubMed 16168118 (cited by 4 submitters); PubMed 20353281 (cited by 4 submitters); PubMed 29446198 (cited by Ambry Genetics); PubMed 32295079 (cited by CZECANCA consortium).